The following is an entry in ClinVar:

ClinVar aggregate classification (germline): Pathogenic (1 of 4 stars; one submission).

Conditions:
Duchenne muscular dystrophy (DMD). Also called: Duchenne Muscular Dystrophy (DMD); MUSCULAR DYSTROPHY, PSEUDOHYPERTROPHIC PROGRESSIVE, DUCHENNE TYPE. Identifiers: Orphanet 98896, MedGen C0013264, MONDO:0010679, OMIM 310200.

Submission:

Labcorp Genetics (formerly Invitae), Labcorp
Classification: Pathogenic for Duchenne muscular dystrophy. Last evaluated: 2019-07-07. Review status: criteria provided, single submitter. Criteria: Invitae Variant Classification Sherloc (09022015). Collection method: clinical testing. Allele origin: germline.
Comment: This variant is an in-frame deletion of the genomic region encompassing exons 10-18 of the DMD gene. It preserves the integrity of the reading frame. This variant has not been reported in the literature in individuals with DMD-related conditions. Experimental studies and prediction algorithms are not available for this variant, and the functional significance of the affected amino acid(s) is currently unknown. Sub-genic deletion of exon 13 has been determined to be pathogenic (PMID: 18353051, 22379338, 28116794, 28610567). Therefore, deletions that fully encompass that region are also expected to be pathogenic. For these reasons, this variant has been classified as Pathogenic.

Literature cited by the submitters: PubMed 18353051; PubMed 22379338; PubMed 28116794; PubMed 28610567.

NC_000023.11:g.(?_32517998)_(32651077_?)del

Gene: DMD (dystrophin; minus strand). Cytogenetic location: Xp21.1.
Variant type: Deletion.
Identifiers: ClinVar variation 830885 (VCV000830885.2).